The following is an entry in ClinVar:

NM_018714.3(COG1):c.2880_2883dup (p.Asp962fs)

Genes: VCF1 (VCP nuclear cofactor family member 1; minus strand), COG1 (component of oligomeric golgi complex 1; plus strand). Cytogenetic location: 17q25.1.
Variant type: Duplication.
Coding change: c.2880_2883dup on transcript NM_018714.3 (MANE Select); coding-DNA positions 2880 to 2883, 4 bases duplicated (AGAA; older notation c.2880_2883dupAGAA).
Protein change: p.Asp962fs; shifts the reading frame from aspartic acid 962.
Molecular consequence: frameshift variant. On other transcripts: 3 prime UTR variant (5).
Genome position (GRCh38, 1-based): chr17:73,208,388-73,208,391, AGAA duplicated; duplicating any 4 consecutive bases within chr17:73,208,387-73,208,391 gives the same sequence; the c. name uses the placement nearest the transcript's 3' end. VCF-style (leftmost placement, unchanged base first): chr17-73208386-G-GAAGA. GRCh37 (hg19) VCF-style: chr17-71204525-G-GAAGA.
Other names: c.*1139_*1142dup (NM_001098832.2, NM_001289412.2, NM_032837.3); c.*1288_*1291dup (NM_001289410.1, NM_001289411.1); short protein forms D962fs.
Identifiers: ClinVar variation 4722877 (VCV004722877.1).
Genomic context (GRCh38, chr17:73,208,386, plus strand): 5'-GCACGCTCCACAGCTGGTGACCCGACAGTTCCTGGCTCCTTGTTCAGACAGCTTGTCAGT[G>GAAGA]AAGAAGACAACACGTCTGCACCTTCATTATTCAAACTTGGCTGGCTCTCTAGTATGACTA-3'

ClinVar aggregate classification (germline): Uncertain significance (1 of 4 stars; one submission).

Conditions:
COG1 congenital disorder of glycosylation (CDG2G). Also called: CONGENITAL DISORDER OF GLYCOSYLATION, TYPE IIg; CDG IIg; CDGII/COG1 CEREBROCOSTOMANDIBULAR-LIKE SYNDROME. Identifiers: Orphanet 263508, MedGen C2931011, MONDO:0012637, OMIM 611209.

Submission:

Labcorp Genetics (formerly Invitae), Labcorp
Classification: Uncertain significance for COG1 congenital disorder of glycosylation. Last evaluated: 2025-10-02. Review status: criteria provided, single submitter. Criteria: Invitae Variant Classification Sherloc (09022015). Collection method: clinical testing. Allele origin: germline.
Comment: This sequence change creates a premature translational stop signal (p.Asp962Argfs*17) in the COG1 gene. While this is not anticipated to result in nonsense mediated decay, it is expected to disrupt the last 19 amino acid(s) of the COG1 protein. This variant is not present in population databases (gnomAD no frequency). This variant has not been reported in the literature in individuals affected with COG1-related conditions. Experimental studies and prediction algorithms are not available or were not evaluated, and the functional significance of this variant is currently unknown. In summary, the available evidence is currently insufficient to determine the role of this variant in disease. Therefore, it has been classified as a Variant of Uncertain Significance.